The following is an entry in ClinVar:

NM_201253.3(CRB1):c.3288T>A (p.Cys1096Ter)

Gene: CRB1 (crumbs cell polarity complex component 1; plus strand). Cytogenetic location: 1q31.3.
Variant type: single nucleotide variant.
Coding change: c.3288T>A on transcript NM_201253.3 (MANE Select); coding-DNA position 3288, T replaced by A.
Protein change: p.Cys1096Ter; replaces cysteine 1096 with a stop codon.
Molecular consequence: nonsense. On other transcripts: non-coding transcript variant (2), intron variant (1).
Genome position (GRCh38, 1-based): chr1:197,435,151, T>A. VCF-style: chr1-197435151-T-A. GRCh37 (hg19) VCF-style: chr1-197404281-T-A.
Other names: c.2952T>A, p.Cys984Ter (NM_001193640.2); c.3216T>A, p.Cys1072Ter (NM_001257965.2); c.2129-449T>A (NM_001257966.2); short protein forms C1072*, C984*, C1096*.
Identifiers: ClinVar variation 2945443 (VCV002945443.3), dbSNP rs2528200607, ClinGen allele CA344046997.

ClinVar aggregate classification (germline): Pathogenic (1 of 4 stars; one submission).

Conditions:
Leber congenital amaurosis 8 (LCA8). Identifiers: Orphanet 65, MedGen C3151202, MONDO:0013453, OMIM 613835.
Retinitis pigmentosa 12 (RP12). Also called: RP WITH OR WITHOUT PRESERVED PARAARTERIOLE RETINAL PIGMENT EPITHELIUM; RETINITIS PIGMENTOSA WITH OR WITHOUT PARAARTERIOLAR PRESERVATION OF RETINAL PIGMENT EPITHELIUM; RP WITH OR WITHOUT PPRPE. Identifiers: Orphanet 791, MedGen C1838647, MONDO:0010818, OMIM 600105.

Submission:

Labcorp Genetics (formerly Invitae), Labcorp
Classification: Pathogenic for Leber congenital amaurosis 8; Retinitis pigmentosa 12. Last evaluated: 2023-03-18. Review status: criteria provided, single submitter. Criteria: Invitae Variant Classification Sherloc (09022015). Collection method: clinical testing. Allele origin: germline.
Comment: For these reasons, this variant has been classified as Pathogenic. This variant has not been reported in the literature in individuals affected with CRB1-related conditions. This variant is not present in population databases (gnomAD no frequency). This sequence change creates a premature translational stop signal (p.Cys1096*) in the CRB1 gene. It is expected to result in an absent or disrupted protein product. Loss-of-function variants in CRB1 are known to be pathogenic (PMID: 10508521, 22065545, 23379534, 25412400, 26957898, 28041643, 29391521).

Literature cited by the submitters: PubMed 10508521; PubMed 22065545; PubMed 23379534; PubMed 25412400; PubMed 26957898; PubMed 28041643; PubMed 29391521.